The following is an entry in ClinVar:

NM_177438.3(DICER1):c.403A>G (p.Lys135Glu)

Gene: DICER1 (dicer 1, ribonuclease III; minus strand). Cytogenetic location: 14q32.13.
Variant type: single nucleotide variant.
Coding change: c.403A>G on transcript NM_177438.3 (MANE Select); coding-DNA position 403, A replaced by G.
Protein change: p.Lys135Glu; replaces lysine 135 with glutamic acid.
Molecular consequence: missense variant.
Genome position (GRCh38, 1-based): chr14:95,131,544, T>C on the plus strand (A>G on the coding strand, the complement: DICER1 is on the minus strand). VCF-style: chr14-95131544-T-C. GRCh37 (hg19) VCF-style: chr14-95597881-T-C.
Other names: c.403A>G, p.Lys135Glu (NM_001195573.1, NM_001271282.3, NM_001291628.2 and 1 more transcripts); short protein forms K135E.
Identifiers: ClinVar variation 1041085 (VCV001041085.12), dbSNP rs1893948849, ClinGen allele CA390888938.

ClinVar aggregate classification (germline): Uncertain significance. Review status: criteria provided, multiple submitters, no conflicts (2 of 4 stars). 2 submissions from 2 submitters: Uncertain significance (2). Last evaluated 2025-09-14.

Conditions:
DICER1-related tumor predisposition. Also called: DICER1 syndrome; DICER1-related pleuropulmonary blastoma cancer predisposition syndrome. Identifiers: Orphanet 284343, MedGen C3839822, MONDO:0100216.
Hereditary cancer-predisposing syndrome. Also called: Hereditary neoplastic syndrome; Neoplastic Syndromes, Hereditary; Tumor predisposition; Hereditary Cancer Syndrome. Identifiers: Orphanet 140162, MedGen C0027672, MeSH D009386, MONDO:0015356.

Submissions (2):

Labcorp Genetics (formerly Invitae), Labcorp
Classification: Uncertain significance for DICER1-related tumor predisposition. Last evaluated: 2025-09-14. Review status: criteria provided, single submitter. Criteria: Invitae Variant Classification Sherloc (09022015). Collection method: clinical testing. Allele origin: germline.
Comment: This sequence change replaces lysine, which is basic and polar, with glutamic acid, which is acidic and polar, at codon 135 of the DICER1 protein (p.Lys135Glu). This variant is not present in population databases (gnomAD no frequency). This variant has not been reported in the literature in individuals affected with DICER1-related conditions. ClinVar contains an entry for this variant (Variation ID: 1041085). Invitae Evidence Modeling of protein sequence and biophysical properties (such as structural, functional, and spatial information, amino acid conservation, physicochemical variation, residue mobility, and thermodynamic stability) indicates that this missense variant is not expected to disrupt DICER1 protein function with a negative predictive value of 95%. In summary, the available evidence is currently insufficient to determine the role of this variant in disease. Therefore, it has been classified as a Variant of Uncertain Significance.

Ambry Genetics
Classification: Uncertain significance for Hereditary cancer-predisposing syndrome. Last evaluated: 2021-06-25. Review status: criteria provided, single submitter. Criteria: Ambry Variant Classification Scheme 2023. Collection method: clinical testing. Allele origin: germline.
Comment: The p.K135E variant (also known as c.403A>G), located in coding exon 3 of the DICER1 gene, results from an A to G substitution at nucleotide position 403. The lysine at codon 135 is replaced by glutamic acid, an amino acid with similar properties. This amino acid position is well conserved in available vertebrate species. In addition, this alteration is predicted to be tolerated by in silico analysis. Since supporting evidence is limited at this time, the clinical significance of this alteration remains unclear.